The following is an entry in ClinVar:

ClinVar aggregate classification (germline): Pathogenic. Review status: criteria provided, multiple submitters, no conflicts (2 of 4 stars). 2 submissions from 2 submitters: Pathogenic (2). Last evaluated 2026-06-15.

Conditions:
Peroxisome biogenesis disorder. Identifiers: Orphanet 79189, MedGen C1832200, MONDO:0019234. Disease mechanism: loss of function.
Peroxisome biogenesis disorder 4A (Zellweger) (PBD4A). Also called: Zellweger syndrome spectrum (PEX6-related). Identifiers: Orphanet 912, MedGen C3553936, MONDO:0013930, OMIM 614862. Disease mechanism: loss of function.

Submissions (2):

Myriad Genetics, Inc.
Classification: Pathogenic for Peroxisome biogenesis disorder. Last evaluated: 2026-06-15. Review status: criteria provided, single submitter. Criteria: Myriad Autosomal Dominant, Autosomal Recessive and X-Linked Classification Criteria (2023). Collection method: clinical testing. Allele origin: unknown.
Comment: NM_000287.3(PEX6):c.2359delG(E787Kfs*35) is expected to be pathogenic in the context of peroxisome biogenesis disorder type 4. This variant is predicted to lead to an abnormal or absent protein product due to the creation of a premature termination codon in PEX6, a gene where loss-of-function variants are known to be pathogenic. Please note: this variant was assessed in the context of healthy population screening.

3billion
Classification: Pathogenic for Peroxisome biogenesis disorder 4A (Zellweger). Last evaluated: 2025-11-07. Review status: criteria provided, single submitter. Criteria: ACMG Guidelines, 2015. Collection method: clinical testing. Allele origin: germline. Affected: yes.
Comment: The variant is not observed in the gnomAD v4.1.0 dataset. Predicted Consequence/Location: Frameshift: predicted to result in a loss or disruption of normal protein function through nonsense-mediated decay (NMD) or protein truncation. Multiple pathogenic variants are reported downstream of the variant. Therefore, this variant is classified as Pathogenic according to the recommendation of ACMG/AMP guideline.

NM_000287.4(PEX6):c.2359del (p.Glu787fs)

Gene: PEX6 (peroxisomal biogenesis factor 6; minus strand). Cytogenetic location: 6p21.1.
Variant type: Deletion.
Coding change: c.2359del on transcript NM_000287.4 (MANE Select); coding-DNA position 2359, one base deleted (G; older notation c.2359delG).
Protein change: p.Glu787fs; shifts the reading frame from glutamic acid 787.
Molecular consequence: frameshift variant.
Genome position (GRCh38, 1-based): chr6:42,966,047, C deleted on the plus strand (G on the coding strand, the reverse complement: PEX6 is on the minus strand); the first of 3 consecutive C bases (chr6:42,966,047-42,966,049); deleting any one gives the same sequence. VCF-style (leftmost placement, unchanged base first): chr6-42966046-TC-T. GRCh37 (hg19) VCF-style: chr6-42933784-TC-T.
Other names: c.2095del, p.Glu699fs (NM_001316313.2); short protein forms E699fs, E787fs.
Identifiers: ClinVar variation 4855247 (VCV004855247.2).